The following is an entry in ClinVar:

ClinVar aggregate classification (germline): Uncertain significance. Review status: criteria provided, multiple submitters, no conflicts (2 of 4 stars). 2 submissions from 2 submitters: Uncertain significance (2). Last evaluated 2025-09-15.

Conditions:
Leber congenital amaurosis 1 (LCA1). Also called: AMAUROSIS CONGENITA OF LEBER I; Congenital absence of the rods and cones; Leber's congenital tapetoretinal degeneration; Leber's congenital tapetoretinal dysplasia; RETINAL BLINDNESS, CONGENITAL. Identifiers: Orphanet 65, MedGen C2931258, MONDO:0008764, OMIM 204000.
Cone-rod dystrophy 6 (CORD6). Also called: Cone dystrophy progressive; RETINAL CONE DYSTROPHY 2. Identifiers: Orphanet 1872, MedGen C1866293, MONDO:0011143, OMIM 601777.

Allele frequency attached by ClinVar (database versions not stated): gnomAD 0.00004; gnomAD exomes 0.00010; TOPMed 0.00010; ExAC 0.00011; ESP Exome Variant Server 0.00015; 1000 Genomes Project 30x 0.00016.
gnomAD v4.1: 69 of 1,613,804 alleles (0.0043%); highest among the groups gnomAD compares: East Asian, 0.098%; no homozygotes.

Submissions (2):

Labcorp Genetics (formerly Invitae), Labcorp
Classification: Uncertain significance for Leber congenital amaurosis 1; Cone-rod dystrophy 6. Last evaluated: 2025-09-15. Review status: criteria provided, single submitter. Criteria: Invitae Variant Classification Sherloc (09022015). Collection method: clinical testing. Allele origin: germline.
Comment: This sequence change replaces arginine, which is basic and polar, with histidine, which is basic and polar, at codon 721 of the GUCY2D protein (p.Arg721His). This variant is present in population databases (rs141352623, gnomAD 0.05%). This variant has not been reported in the literature in individuals affected with GUCY2D-related conditions. ClinVar contains an entry for this variant (Variation ID: 1511397). Invitae Evidence Modeling of protein sequence and biophysical properties (such as structural, functional, and spatial information, amino acid conservation, physicochemical variation, residue mobility, and thermodynamic stability) indicates that this missense variant is not expected to disrupt GUCY2D protein function with a negative predictive value of 80%. In summary, the available evidence is currently insufficient to determine the role of this variant in disease. Therefore, it has been classified as a Variant of Uncertain Significance.

Blueprint Genetics
Classification: Uncertain significance. Last evaluated: 2024-10-22. Review status: criteria provided, single submitter. Criteria: ACMG Guidelines, 2015. Collection method: clinical testing. Allele origin: germline.

NM_000180.4(GUCY2D):c.2162G>A (p.Arg721His)

Gene: GUCY2D (guanylate cyclase 2D, retinal; plus strand). Cytogenetic location: 17p13.1.
Variant type: single nucleotide variant.
Coding change: c.2162G>A on transcript NM_000180.4 (MANE Select); coding-DNA position 2162, G replaced by A.
Protein change: p.Arg721His; replaces arginine 721 with histidine.
Molecular consequence: missense variant.
Genome position (GRCh38, 1-based): chr17:8,013,151, G>A. VCF-style: chr17-8013151-G-A. GRCh37 (hg19) VCF-style: chr17-7916469-G-A.
Other names: short protein forms R721H.
Identifiers: ClinVar variation 1511397 (VCV001511397.5), dbSNP rs141352623, ClinGen allele CA8366028.
Genomic context (GRCh38, chr17:8,013,151, plus strand): 5'-CCCCATCCCCAGACCAGCTGTGGACAGCCCCGGAGCTGCTTAGGGACCCAGCCCTGGAGC[G>A]CCGGGGAACGCTGGCCGGCGACGTCTTTAGCTTGGCCATCATCATGCAAGAAGTAGTGTG-3'
Protein context (NP_000171.1, residues 711-731): PELLRDPALE[Arg721His]RGTLAGDVFS